The following is an entry in ClinVar:

ClinVar aggregate classification (germline): Likely benign (1 of 4 stars; one submission).

Submission:

Mayo Clinic Laboratories, Mayo Clinic
Classification: Likely benign. Last evaluated: 2025-03-26. Review status: criteria provided, single submitter. Criteria: ACMG Guidelines, 2015. Collection method: clinical testing. Allele origin: germline. Observed: 1 variant allele.
Comment: BP4, BP7

NM_020821.3(VPS13C):c.9889-11del

Gene: VPS13C (vacuolar protein sorting 13 homolog C; minus strand). Cytogenetic location: 15q22.2.
Variant type: Deletion.
Coding change: c.9889-11del on transcript NM_020821.3 (MANE Select); 11 bases into the intron before coding-DNA position 9889, one base deleted (A; older notation c.9889-11delA).
Molecular consequence: intron variant.
Genome position (GRCh38, 1-based): chr15:61,880,733, T deleted on the plus strand (A on the coding strand, the reverse complement: VPS13C is on the minus strand). VCF-style (leftmost placement, unchanged base first): chr15-61880732-AT-A. GRCh37 (hg19) VCF-style: chr15-62172931-AT-A.
Other names: p.?; c.9760-11del (NM_017684.5, NM_018080.4); c.9889-11del (NM_001018088.3).
Identifiers: ClinVar variation 4683990 (VCV004683990.1).
Genomic context (GRCh38, chr15:61,880,732, plus strand): 5'-CTCCATTAATTCTGCATTTAGAGCATCAATATCTTGTTGGATTAACTTTGTCTGAAAAAA[AT>A]AAAATCAAGAATTTCTATTTTAATTTTTTTCTCTATTAGAATTCGTTCAAAAGAGGCTGA-3'